The following is an entry in ClinVar:

ClinVar aggregate classification (germline): Uncertain significance. Review status: criteria provided, single submitter (1 of 4 stars). 2 submissions from 2 submitters: Uncertain significance (1). 1 of the submissions does not count toward it. Last evaluated 2024-09-30.

Conditions:
Anauxetic dysplasia. Identifiers: Orphanet 93347, MedGen C1846796, MONDO:0011773.
Metaphyseal chondrodysplasia, McKusick type (CHH). Also called: Cartilage-Hair Hypoplasia (CHH); Cartilage-hair hypoplasia. Identifiers: Orphanet 175, MedGen C0220748, MONDO:0009595, OMIM 250250.

Submissions (2):

Labcorp Genetics (formerly Invitae), Labcorp
Classification: Uncertain significance for Anauxetic dysplasia. Last evaluated: 2024-09-30. Review status: criteria provided, single submitter. Criteria: Invitae Variant Classification Sherloc (09022015). Collection method: clinical testing. Allele origin: germline.
Comment: This variant occurs in the RMRP gene, which encodes an RNA molecule that does not result in a protein product. This variant is not present in population databases (gnomAD no frequency). This variant has not been reported in the literature in individuals affected with RMRP-related conditions. ClinVar contains an entry for this variant (Variation ID: 964663). Experimental studies and prediction algorithms are not available or were not evaluated, and the functional significance of this variant is currently unknown. In summary, the available evidence is currently insufficient to determine the role of this variant in disease. Therefore, it has been classified as a Variant of Uncertain Significance.

Natera, Inc.
Classification: Uncertain significance for Cartilage-hair hypoplasia. Last evaluated: 2020-07-07. Review status: no assertion criteria provided. Collection method: clinical testing. Allele origin: germline. Not counted in ClinVar's aggregate classification.

NR_003051.4(RMRP):n.84dup

Gene: RMRP (RNA component of mitochondrial RNA processing endoribonuclease; minus strand). Cytogenetic location: 9p13.3.
Variant type: Duplication.
Genome position: GRCh38 VCF-style: chr9-35657934-A-AG. GRCh37 (hg19) VCF-style: chr9-35657931-A-AG.
Identifiers: ClinVar variation 964663 (VCV000964663.6), dbSNP rs1222001621, ClinGen allele CA863578188.